The following is an entry in ClinVar:

NM_139276.3(STAT3):c.1234A>G (p.Thr412Ala)

Gene: STAT3 (signal transducer and activator of transcription 3; minus strand). Cytogenetic location: 17q21.2.
Variant type: single nucleotide variant.
Coding change: c.1234A>G on transcript NM_139276.3 (MANE Select); coding-DNA position 1234, A replaced by G.
Protein change: p.Thr412Ala; replaces threonine 412 with alanine.
Molecular consequence: missense variant.
Genome position (GRCh38, 1-based): chr17:42,329,457, T>C on the plus strand (A>G on the coding strand, the complement: STAT3 is on the minus strand). VCF-style: chr17-42329457-T-C. GRCh37 (hg19) VCF-style: chr17-40481475-T-C.
Other names: c.1234A>G, p.Thr412Ala (NM_001369512.1, NM_001369513.1, NM_001369514.1 and 7 more transcripts); short protein forms T412A.
Identifiers: ClinVar variation 844417 (VCV000844417.10), dbSNP rs1567713850, ClinGen allele CA399588517.

ClinVar aggregate classification (germline): Uncertain significance (1 of 4 stars; one submission).

Conditions:
STAT3 gain of function. Identifiers: MedGen C4288261.
Hyper-IgE recurrent infection syndrome 1, autosomal dominant. Also called: JOB SYNDROME; Job's Syndrome; STAT3 Hyper IgE Syndrome; Hyper-IgE recurrent infection syndrome 1; HYPER-IgE SYNDROME 1, AUTOSOMAL DOMINANT, WITH RECURRENT INFECTIONS. Identifiers: Orphanet 2314, MedGen C2936739, MONDO:0007818, OMIM 147060.

Submission:

Labcorp Genetics (formerly Invitae), Labcorp
Classification: Uncertain significance for STAT3 gain of function; Hyper-IgE recurrent infection syndrome 1, autosomal dominant. Last evaluated: 2019-01-22. Review status: criteria provided, single submitter. Criteria: Invitae Variant Classification Sherloc (09022015). Collection method: clinical testing. Allele origin: germline.
Comment: In summary, the available evidence is currently insufficient to determine the role of this variant in disease. Therefore, it has been classified as a Variant of Uncertain Significance. Algorithms developed to predict the effect of missense changes on protein structure and function (SIFT, PolyPhen-2, Align-GVGD) all suggest that this variant is likely to be tolerated, but these predictions have not been confirmed by published functional studies and their clinical significance is uncertain. This variant has been observed in an individual affected with hyper IgE syndrome (PMID: 26743515). This variant is not present in population databases (ExAC no frequency). This sequence change replaces threonine with alanine at codon 412 of the STAT3 protein (p.Thr412Ala). The threonine residue is moderately conserved and there is a small physicochemical difference between threonine and alanine.

Literature cited by the submitters: PubMed 26743515.